The following is an entry in ClinVar:

ClinVar aggregate classification (germline): Pathogenic (1 of 4 stars; one submission).

Conditions:
Multiple endocrine neoplasia, type 1 (MEN1). Also called: Endocrine adenomatosis multiple; MEN 1; MEA I; MEN I; WERMER SYNDROME. Identifiers: Orphanet 652, MedGen C0025267, MeSH D018761, MONDO:0007540, OMIM 131100.

Submission:

Labcorp Genetics (formerly Invitae), Labcorp
Classification: Pathogenic for Multiple endocrine neoplasia, type 1. Last evaluated: 2023-09-14. Review status: criteria provided, single submitter. Criteria: Invitae Variant Classification Sherloc (09022015). Collection method: clinical testing. Allele origin: unknown.
Comment: This variant is a gross deletion of the genomic region encompassing exon(s) 3-10 of the MEN1 gene, which includes the termination codon. This deletion extends beyond the assayed region for this gene and therefore may encompass additional genes. While this deletion is not anticipated to lead to nonsense mediated decay, it is expected to alter mRNA translation or result in a truncated protein product. This variant has not been reported in the literature in individuals affected with MEN1-related conditions. This variant disrupts a region of the MEN1 protein in which other variant(s) (p.Lys559Glufs*38) have been determined to be pathogenic (PMID: 10090472; Invitae). This suggests that this is a clinically significant region of the protein, and that variants that disrupt it are likely to be disease-causing. For these reasons, this variant has been classified as Pathogenic.

Literature cited by the submitters: PubMed 10090472.

NC_000011.9:g.(?_64571806)_(64575581_?)del

Gene: MEN1 (menin 1; minus strand). Cytogenetic location: 11q13.1.
Variant type: Deletion.
Identifiers: ClinVar variation 3244549 (VCV003244549.1).